The following is an entry in ClinVar:

ClinVar aggregate classification (germline): Uncertain significance (1 of 4 stars; one submission).

Conditions:
Hereditary cancer-predisposing syndrome. Also called: Neoplastic Syndromes, Hereditary; Tumor predisposition; Hereditary neoplastic syndrome; Hereditary Cancer Syndrome. Identifiers: Orphanet 140162, MedGen C0027672, MeSH D009386, MONDO:0015356.

Submission:

Ambry Genetics
Classification: Uncertain significance for Hereditary cancer-predisposing syndrome. Last evaluated: 2026-07-07. Review status: criteria provided, single submitter. Criteria: Ambry Variant Classification Scheme 2023. Collection method: clinical testing. Allele origin: germline.
Comment: The p.Y224H variant (also known as c.670T>C), located in coding exon 3 of the TMEM127 gene, results from a T to C substitution at nucleotide position 670. The tyrosine at codon 224 is replaced by histidine, an amino acid with similar properties. This amino acid position is conserved. In addition, the in silico prediction for this alteration is inconclusive. Based on the available evidence, the clinical significance of this variant remains unclear.

NM_017849.4(TMEM127):c.670T>C (p.Tyr224His)

Gene: TMEM127 (transmembrane protein 127; minus strand). Cytogenetic location: 2q11.2.
Variant type: single nucleotide variant.
Coding change: c.670T>C on transcript NM_017849.4 (MANE Select); coding-DNA position 670, T replaced by C.
Protein change: p.Tyr224His; replaces tyrosine 224 with histidine.
Molecular consequence: missense variant.
Genome position (GRCh38, 1-based): chr2:96,253,855, A>G on the plus strand (T>C on the coding strand, the complement: TMEM127 is on the minus strand). VCF-style: chr2-96253855-A-G. GRCh37 (hg19) VCF-style: chr2-96919593-A-G.
Other names: c.670T>C, p.Tyr224His (NM_001193304.3); c.418T>C, p.Tyr140His (NM_001407282.1, NM_001407283.1); short protein forms Y224H, Y140H.
Identifiers: ClinVar variation 5030926 (VCV005030926.1).